The following is an entry in ClinVar:

ClinVar aggregate classification (germline): Uncertain significance. Review status: criteria provided, multiple submitters, no conflicts (2 of 4 stars). 2 submissions from 2 submitters: Uncertain significance (2). Last evaluated 2025-03-08.

Conditions:
DICER1-related tumor predisposition. Also called: DICER1-related pleuropulmonary blastoma cancer predisposition syndrome; DICER1 syndrome. Identifiers: Orphanet 284343, MedGen C3839822, MONDO:0100216.
Hereditary cancer-predisposing syndrome. Also called: Hereditary neoplastic syndrome; Tumor predisposition; Hereditary Cancer Syndrome; Neoplastic Syndromes, Hereditary. Identifiers: Orphanet 140162, MedGen C0027672, MeSH D009386, MONDO:0015356.

Submissions (2):

Ambry Genetics
Classification: Uncertain significance for Hereditary cancer-predisposing syndrome. Last evaluated: 2025-03-08. Review status: criteria provided, single submitter. Criteria: Ambry Variant Classification Scheme 2023. Collection method: clinical testing. Allele origin: germline.
Comment: The p.R636G variant (also known as c.1906A>G), located in coding exon 10 of the DICER1 gene, results from an A to G substitution at nucleotide position 1906. The arginine at codon 636 is replaced by glycine, an amino acid with dissimilar properties. This amino acid position is conserved. In addition, this alteration is predicted to be deleterious by in silico analysis. Based on the available evidence, the clinical significance of this variant remains unclear.

Labcorp Genetics (formerly Invitae), Labcorp
Classification: Uncertain significance for DICER1-related tumor predisposition. Last evaluated: 2022-03-07. Review status: criteria provided, single submitter. Criteria: Invitae Variant Classification Sherloc (09022015). Collection method: clinical testing. Allele origin: germline.
Comment: In summary, the available evidence is currently insufficient to determine the role of this variant in disease. Therefore, it has been classified as a Variant of Uncertain Significance. Algorithms developed to predict the effect of sequence changes on RNA splicing suggest that this variant may disrupt the consensus splice site. Algorithms developed to predict the effect of missense changes on protein structure and function (SIFT, PolyPhen-2, Align-GVGD) all suggest that this variant is likely to be disruptive. This variant has not been reported in the literature in individuals affected with DICER1-related conditions. This variant is not present in population databases (gnomAD no frequency). This sequence change replaces arginine, which is basic and polar, with glycine, which is neutral and non-polar, at codon 636 of the DICER1 protein (p.Arg636Gly).

NM_177438.3(DICER1):c.1906A>G (p.Arg636Gly)

Gene: DICER1 (dicer 1, ribonuclease III; minus strand). Cytogenetic location: 14q32.13.
Variant type: single nucleotide variant.
Coding change: c.1906A>G on transcript NM_177438.3 (MANE Select); coding-DNA position 1906, A replaced by G.
Protein change: p.Arg636Gly; replaces arginine 636 with glycine.
Molecular consequence: missense variant.
Genome position (GRCh38, 1-based): chr14:95,115,668, T>C on the plus strand (A>G on the coding strand, the complement: DICER1 is on the minus strand). VCF-style: chr14-95115668-T-C. GRCh37 (hg19) VCF-style: chr14-95582005-T-C.
Other names: c.1906A>G, p.Arg636Gly (NM_001195573.1, NM_001271282.3, NM_001291628.2 and 1 more transcripts); c.1906A>G (NM_177438.2); short protein forms R636G.
Identifiers: ClinVar variation 1427367 (VCV001427367.10), dbSNP rs2140112316, ClinGen allele CA390883881.
Genomic context (GRCh38, chr14:95,115,668, plus strand): 5'-TTTAGACTTAAACTGTGCAACATTCCCAGGTTTTCCACACAAATGATATGATGCCATACC[T>C]ATTGATGTGTCCAATGGCCGTGTTGATTGTGACTCGTGGACCACCATCGTCAGGCCTCAA-3'
Protein context (NP_803187.1, residues 626-646): TINTAIGHIN[Arg636Gly]YCARLPSDPF